The following is an entry in ClinVar:

ClinVar aggregate classification (germline): Uncertain significance (1 of 4 stars; one submission).

Submission:

GeneDx
Classification: Uncertain significance. Last evaluated: 2024-11-07. Review status: criteria provided, single submitter. Criteria: GeneDx Variant Classification Process June 2021. Collection method: clinical testing. Allele origin: germline. Affected: yes.
Comment: Not observed at significant frequency in large population cohorts (gnomAD); In-frame deletion of 4 amino acid(s) and insertion of 1 different amino acid(s) in a non-repeat region; In silico analysis indicates that this variant does not alter protein structure/function; Has not been previously published as pathogenic or benign to our knowledge

NM_001372044.2(SHANK3):c.3674_3682del (p.Asp1225_Arg1228delinsGly)

Gene: SHANK3 (SH3 and multiple ankyrin repeat domains 3; plus strand). Cytogenetic location: 22q13.33.
Variant type: Deletion.
Coding change: c.3674_3682del on transcript NM_001372044.2 (MANE Select); coding-DNA positions 3674 to 3682, 9 bases deleted (ACCCAGAGC; older notation c.3674_3682delACCCAGAGC).
Protein change: p.Asp1225_Arg1228delinsGly.
Molecular consequence: inframe indel.
Genome position (GRCh38, 1-based): chr22:50,721,282-50,721,290, ACCCAGAGC deleted. VCF-style (leftmost placement, unchanged base first): chr22-50721281-GACCCAGAGC-G. GRCh37 (hg19) VCF-style: chr22-51159709-GACCCAGAGC-G.
Other names: c.3449_3457del (NM_033517.1).
Identifiers: ClinVar variation 3898929 (VCV003898929.1).